The following is an entry in ClinVar:

ClinVar aggregate classification (germline): Uncertain significance (1 of 4 stars; one submission).

Conditions:
Charcot-Marie-Tooth disease dominant intermediate B (CMTDIB). Also called: Charcot-Marie-Tooth disease dominant intermediate 1; CMT DI1; Charcot-Marie-Tooth disease dominant intermediate I; CHARCOT-MARIE-TOOTH NEUROPATHY, DOMINANT INTERMEDIATE B. Identifiers: Orphanet 100044, Orphanet 228179, MedGen C1847902, MONDO:0011674, OMIM 606482.

Submission:

Labcorp Genetics (formerly Invitae), Labcorp
Classification: Uncertain significance for Charcot-Marie-Tooth disease dominant intermediate B. Last evaluated: 2019-02-25. Review status: criteria provided, single submitter. Criteria: Invitae Variant Classification Sherloc (09022015). Collection method: clinical testing. Allele origin: germline.
Comment: In summary, the available evidence is currently insufficient to determine the role of this variant in disease. Therefore, it has been classified as a Variant of Uncertain Significance. Experimental studies and prediction algorithms are not available for this variant, and the functional significance of the affected amino acid(s) is currently unknown. This variant has not been reported in the literature in individuals with DNM2-related conditions. This variant is not present in population databases (ExAC no frequency). This variant, c.2103_2105del, results in the deletion of 1 amino acid(s) of the DNM2 protein (p.Ser702del), but otherwise preserves the integrity of the reading frame.

NM_001005361.3(DNM2):c.2100CTC[1] (p.Ser702del)

Gene: DNM2 (dynamin 2; plus strand). Cytogenetic location: 19p13.2.
Variant type: Microsatellite.
Coding change: c.2100CTC[1] on transcript NM_001005361.3 (MANE Select); one copy of the 3-base unit CTC starting at c.2100; the reference has two copies in a row; one copy, 3 bases deleted.
Protein change: p.Ser702del; deletes serine 702.
Molecular consequence: inframe deletion.
Genome position (GRCh38, 1-based): chr19:10,829,080-10,829,082, CTC deleted; deleting any 3 consecutive bases within chr19:10,829,077-10,829,082 gives the same sequence; the position shown is the placement nearest the transcript's 3' end. VCF-style (leftmost placement, unchanged base first): chr19-10829076-ACTC-A. GRCh37 (hg19) VCF-style: chr19-10939752-ACTC-A.
Other names: c.2103_2105del (NM_001005360.2); c.2100CTC[1], p.Ser702del (NM_001005360.3, NM_001190716.2); c.2088CTC[1], p.Ser698del (NM_001005362.3, NM_004945.4); short protein forms S698del, S702del.
Identifiers: ClinVar variation 659360 (VCV000659360.10), dbSNP rs1324559612, ClinGen allele CA783198441.